The following is an entry in ClinVar:

ClinVar aggregate classification (germline): Conflicting classifications of pathogenicity. Review status: criteria provided, conflicting classifications (1 of 4 stars). 5 submissions from 5 submitters: Uncertain significance (4); Likely benign (1). Last evaluated 2026-07-01.

Conditions:
Inborn genetic diseases. Identifiers: MedGen C0950123, MeSH D030342.

Allele frequency attached by ClinVar (database versions not stated): ExAC 0.00011; gnomAD exomes 0.00012 and 0.00028; gnomAD 0.00018 and 0.00019.
gnomAD v4.1: 436 of 1,613,926 alleles (0.027%); highest among the groups gnomAD compares: Non-Finnish European, 0.035%; no homozygotes.

Submissions (5):

CeGaT Center for Human Genetics Tuebingen
Classification: Likely benign. Last evaluated: 2026-07-01. Review status: criteria provided, single submitter. Criteria: CeGaT Center For Human Genetics Tuebingen Variant Classification Criteria Version 2. Collection method: clinical testing. Allele origin: germline. Affected: yes. Observed: 1 variant allele.
Comment: DPYS: BS2

Blueprint Genetics
Classification: Uncertain significance. Last evaluated: 2024-10-18. Review status: criteria provided, single submitter. Criteria: ACMG Guidelines, 2015. Collection method: clinical testing. Allele origin: germline.

Ambry Genetics
Classification: Uncertain significance for Inborn genetic diseases. Last evaluated: 2024-10-04. Review status: criteria provided, single submitter. Criteria: Ambry Variant Classification Scheme 2023. Collection method: clinical testing. Allele origin: germline.

GeneDx
Classification: Uncertain significance. Last evaluated: 2023-12-18. Review status: criteria provided, single submitter. Criteria: GeneDx Variant Classification Process June 2021. Collection method: clinical testing. Allele origin: germline. Affected: yes.
Comment: In silico analysis supports that this missense variant has a deleterious effect on protein structure/function; Has not been previously published as pathogenic or benign to our knowledge

Labcorp Genetics (formerly Invitae), Labcorp
Classification: Uncertain significance. Last evaluated: 2022-07-12. Review status: criteria provided, single submitter. Criteria: Invitae Variant Classification Sherloc (09022015). Collection method: clinical testing. Allele origin: germline.
Comment: In summary, the available evidence is currently insufficient to determine the role of this variant in disease. Therefore, it has been classified as a Variant of Uncertain Significance. Algorithms developed to predict the effect of missense changes on protein structure and function (SIFT, PolyPhen-2, Align-GVGD) all suggest that this variant is likely to be disruptive. ClinVar contains an entry for this variant (Variation ID: 1421032). This variant has not been reported in the literature in individuals affected with DPYS-related conditions. This variant is present in population databases (rs147772269, gnomAD 0.02%). This sequence change replaces isoleucine, which is neutral and non-polar, with serine, which is neutral and polar, at codon 185 of the DPYS protein (p.Ile185Ser).

NM_001385.3(DPYS):c.554T>G (p.Ile185Ser)

Gene: DPYS (dihydropyrimidinase; minus strand). Cytogenetic location: 8q22.3.
Variant type: single nucleotide variant.
Coding change: c.554T>G on transcript NM_001385.3 (MANE Select); coding-DNA position 554, T replaced by G.
Protein change: p.Ile185Ser; replaces isoleucine 185 with serine.
Molecular consequence: missense variant.
Genome position (GRCh38, 1-based): chr8:104,447,373, A>C on the plus strand (T>G on the coding strand, the complement: DPYS is on the minus strand). VCF-style: chr8-104447373-A-C. GRCh37 (hg19) VCF-style: chr8-105459601-A-C.
Other names: c.554T>G (NM_001385.2); short protein forms I185S.
Identifiers: ClinVar variation 1421032 (VCV001421032.12), dbSNP rs147772269, ClinGen allele CA4838543.